The following is an entry in ClinVar:

ClinVar aggregate classification (germline): Uncertain significance (1 of 4 stars; one submission).

Allele frequency attached by ClinVar (database versions not stated): TOPMed below 0.00001; ExAC 0.00001; gnomAD 0.00001.
gnomAD v4.1: 1 of 1,614,036 alleles (0.000062%); highest among the groups gnomAD compares: African/African-American, 0.0013%; no homozygotes.

Submission:

Labcorp Genetics (formerly Invitae), Labcorp
Classification: Uncertain significance. Last evaluated: 2023-03-04. Review status: criteria provided, single submitter. Criteria: Invitae Variant Classification Sherloc (09022015). Collection method: clinical testing. Allele origin: germline.
Comment: In summary, the available evidence is currently insufficient to determine the role of this variant in disease. Therefore, it has been classified as a Variant of Uncertain Significance. Advanced modeling of protein sequence and biophysical properties (such as structural, functional, and spatial information, amino acid conservation, physicochemical variation, residue mobility, and thermodynamic stability) performed at Invitae indicates that this missense variant is not expected to disrupt FN1 protein function. This sequence change replaces asparagine, which is neutral and polar, with serine, which is neutral and polar, at codon 254 of the FN1 protein (p.Asn254Ser). This variant is present in population databases (rs749447122, gnomAD 0.003%). This variant has not been reported in the literature in individuals affected with FN1-related conditions.

NM_212482.4(FN1):c.761A>G (p.Asn254Ser)

Gene: FN1 (fibronectin 1; minus strand). Cytogenetic location: 2q35.
Variant type: single nucleotide variant.
Coding change: c.761A>G on transcript NM_212482.4 (MANE Select); coding-DNA position 761, A replaced by G.
Protein change: p.Asn254Ser; replaces asparagine 254 with serine.
Molecular consequence: missense variant.
Genome position (GRCh38, 1-based): chr2:215,428,263, T>C on the plus strand (A>G on the coding strand, the complement: FN1 is on the minus strand). VCF-style: chr2-215428263-T-C. GRCh37 (hg19) VCF-style: chr2-216292986-T-C.
Other names: c.761A>G, p.Asn254Ser (NM_001306129.2, NM_001306130.2, NM_001306131.2 and 14 more transcripts); short protein forms N254S.
Identifiers: ClinVar variation 3007664 (VCV003007664.3), dbSNP rs749447122, ClinGen allele CA2095474.
Genomic context (GRCh38, chr2:215,428,263, plus strand): 5'-GTGTGCCTCTCACACTTCCACTCTCCTCGGCCGTTGCCTGTGCAGATGCACTGGAGCAGG[T>C]TTCCTCGATTATCCTTCTTGCTCCAGGTGTCTCCAATTCTATAGGATGTCCTTGTGTCCT-3'
Protein context (NP_997647.2, residues 244-264): DTWSKKDNRG[Asn254Ser]LLQCICTGNG